The following is an entry in ClinVar:

ClinVar aggregate classification (germline): Conflicting classifications of pathogenicity. Review status: criteria provided, conflicting classifications (1 of 4 stars). 3 submissions from 3 submitters: Uncertain significance (2); Likely benign (1). Last evaluated 2026-01-19.

Conditions:
Inborn genetic diseases. Identifiers: MedGen C0950123, MeSH D030342.
Hyperekplexia 3 (HKPX3). Also called: HYPEREKPLEXIA 3, AUTOSOMAL RECESSIVE; HYPEREKPLEXIA 3, AUTOSOMAL DOMINANT. Identifiers: Orphanet 3197, MedGen C3553288, MONDO:0013827, OMIM 614618.

Allele frequency attached by ClinVar (database versions not stated): TOPMed 0.00035; gnomAD exomes 0.00041; gnomAD 0.00052 and 0.00056; ESP Exome Variant Server 0.00056; ExAC 0.00077.
gnomAD v4.1: 1,063 of 1,587,754 alleles (0.067%); highest among the groups gnomAD compares: Non-Finnish European, 0.087%; no homozygotes.

Submissions (3):

Labcorp Genetics (formerly Invitae), Labcorp
Classification: Likely benign for Hyperekplexia 3. Last evaluated: 2026-01-19. Review status: criteria provided, single submitter. Criteria: Invitae Variant Classification Sherloc (09022015). Collection method: clinical testing. Allele origin: germline.

Ambry Genetics
Classification: Uncertain significance for Inborn genetic diseases. Last evaluated: 2025-08-04. Review status: criteria provided, single submitter. Criteria: Ambry Variant Classification Scheme 2023. Collection method: clinical testing. Allele origin: germline.

GeneDx
Classification: Uncertain significance. Last evaluated: 2020-02-16. Review status: criteria provided, single submitter. Criteria: GeneDx Variant Classification Process June 2021. Collection method: clinical testing. Allele origin: germline. Affected: yes.
Comment: In silico analysis supports that this missense variant does not alter protein structure/function; Has not been previously published as pathogenic or benign to our knowledge

NM_004211.5(SLC6A5):c.59C>T (p.Ala20Val)

Gene: SLC6A5 (solute carrier family 6 member 5; plus strand). Cytogenetic location: 11p15.1.
Variant type: single nucleotide variant.
Coding change: c.59C>T on transcript NM_004211.5 (MANE Select); coding-DNA position 59, C replaced by T.
Protein change: p.Ala20Val; replaces alanine 20 with valine.
Molecular consequence: missense variant. On other transcripts: 5 prime UTR variant (1).
Genome position (GRCh38, 1-based): chr11:20,601,184, C>T. VCF-style: chr11-20601184-C-T. GRCh37 (hg19) VCF-style: chr11-20622730-C-T.
Other names: c.-505C>T (NM_001318369.2); short protein forms A20V.
Identifiers: ClinVar variation 303994 (VCV000303994.15), dbSNP rs200496125, ClinGen allele CA5920986.